The following is an entry in ClinVar:

ClinVar aggregate classification (germline): Uncertain significance (1 of 4 stars; one submission).

Conditions:
Costello syndrome (CSTLO). Also called: HRAS-Related Costello Syndrome; FACIOCUTANEOSKELETAL SYNDROME; FCS SYNDROME. Identifiers: Orphanet 3071, MedGen C0587248, MONDO:0009026, OMIM 218040.

Submission:

Labcorp Genetics (formerly Invitae), Labcorp
Classification: Uncertain significance for Costello syndrome. Last evaluated: 2025-04-17. Review status: criteria provided, single submitter. Criteria: Invitae Variant Classification Sherloc (09022015). Collection method: clinical testing. Allele origin: germline.
Comment: This sequence change replaces glycine, which is neutral and non-polar, with valine, which is neutral and non-polar, at codon 15 of the HRAS protein (p.Gly15Val). This variant is not present in population databases (gnomAD no frequency). This variant has not been reported in the literature in individuals affected with HRAS-related conditions. ClinVar contains an entry for this variant (Variation ID: 2129194). Invitae Evidence Modeling of protein sequence and biophysical properties (such as structural, functional, and spatial information, amino acid conservation, physicochemical variation, residue mobility, and thermodynamic stability) indicates that this missense variant is expected to disrupt HRAS protein function with a positive predictive value of 95%. In summary, the available evidence is currently insufficient to determine the role of this variant in disease. Therefore, it has been classified as a Variant of Uncertain Significance.

NM_005343.4(HRAS):c.44G>T (p.Gly15Val)

Genes: LRRC56 (leucine rich repeat containing 56; plus strand), HRAS (HRas proto-oncogene, GTPase; minus strand). Cytogenetic location: 11p15.5.
Variant type: single nucleotide variant.
Coding change: c.44G>T on transcript NM_005343.4 (MANE Select); coding-DNA position 44, G replaced by T.
Protein change: p.Gly15Val; replaces glycine 15 with valine.
Molecular consequence: missense variant. On other transcripts: 5 prime UTR variant (1).
Genome position (GRCh38, 1-based): chr11:534,279, C>A on the plus strand (G>T on the coding strand, the complement: HRAS is on the minus strand). VCF-style: chr11-534279-C-A. GRCh37 (hg19) VCF-style: chr11-534279-C-A.
Other names: c.44G>T, p.Gly15Val (NM_001130442.3, NM_176795.5); c.-276G>T (NM_001318054.2); short protein forms G15V.
Identifiers: ClinVar variation 2129194 (VCV002129194.4), dbSNP rs1554885139, ClinGen allele CA378925964.
Genomic context (GRCh38, chr11:534,279, plus strand): 5'-GTGGGGTCGTATTCGTCCACAAAATGGTTCTGGATCAGCTGGATGGTCAGCGCACTCTTG[C>A]CCACACCGCCGGCGCCCACCACCACCAGCTTATATTCCGTCATCGCTCCTCAGGGGCCTG-3'
Protein context (NP_005334.1, residues 5-25): KLVVVGAGGV[Gly15Val]KSALTIQLIQ